The following is an entry in ClinVar:

ClinVar aggregate classification (germline): Uncertain significance (1 of 4 stars; one submission).

Allele frequency attached by ClinVar (database versions not stated): gnomAD 0.00001; ExAC 0.00002; TOPMed 0.00002; 1000 Genomes Project 0.00020; 1000 Genomes Project 30x 0.00031.
gnomAD v4.1: 5 of 1,606,196 alleles (0.00031%); highest among the groups gnomAD compares: African/African-American, 0.0013%; no homozygotes.

Submission:

Ambry Genetics
Classification: Uncertain significance. Last evaluated: 2024-11-08. Review status: criteria provided, single submitter. Criteria: Ambry Variant Classification Scheme 2023. Collection method: clinical testing. Allele origin: germline.
Comment: The p.R2241Q variant (also known as c.6722G>A), located in coding exon 23 of the POLQ gene, results from a G to A substitution at nucleotide position 6722. The arginine at codon 2241 is replaced by glutamine, an amino acid with highly similar properties. This amino acid position is conserved. In addition, this alteration is predicted to be deleterious by in silico analysis. Since supporting evidence is limited at this time, the clinical significance of this alteration remains unclear.

NM_199420.4(POLQ):c.6722G>A (p.Arg2241Gln)

Gene: POLQ (DNA polymerase theta; minus strand). Cytogenetic location: 3q13.33.
Variant type: single nucleotide variant.
Coding change: c.6722G>A on transcript NM_199420.4 (MANE Select); coding-DNA position 6722, G replaced by A.
Protein change: p.Arg2241Gln; replaces arginine 2241 with glutamine.
Molecular consequence: missense variant.
Genome position (GRCh38, 1-based): chr3:121,468,428, C>T on the plus strand (G>A on the coding strand, the complement: POLQ is on the minus strand). VCF-style: chr3-121468428-C-T. GRCh37 (hg19) VCF-style: chr3-121187275-C-T.
Other names: short protein forms R2241Q.
Identifiers: ClinVar variation 1755096 (VCV001755096.3), dbSNP rs552697616, ClinGen allele CA2562374.